The following is an entry in ClinVar:

ClinVar aggregate classification (germline): Uncertain significance (1 of 4 stars; one submission).

gnomAD v4.1: 1 of 1,613,156 alleles (0.000062%); highest among the groups gnomAD compares: Non-Finnish European, 0.000085%; no homozygotes.

Submission:

Labcorp Genetics (formerly Invitae), Labcorp
Classification: Uncertain significance. Last evaluated: 2024-10-06. Review status: criteria provided, single submitter. Criteria: Invitae Variant Classification Sherloc (09022015). Collection method: clinical testing. Allele origin: germline.
Comment: This sequence change replaces threonine, which is neutral and polar, with serine, which is neutral and polar, at codon 342 of the TNNI3K protein (p.Thr342Ser). This variant is not present in population databases (gnomAD no frequency). This variant has not been reported in the literature in individuals affected with TNNI3K-related conditions. Invitae Evidence Modeling of protein sequence and biophysical properties (such as structural, functional, and spatial information, amino acid conservation, physicochemical variation, residue mobility, and thermodynamic stability) indicates that this missense variant is not expected to disrupt TNNI3K protein function with a negative predictive value of 80%. In summary, the available evidence is currently insufficient to determine the role of this variant in disease. Therefore, it has been classified as a Variant of Uncertain Significance.

NM_015978.3(TNNI3K):c.1025C>G (p.Thr342Ser)

Genes: FPGT-TNNI3K (FPGT-TNNI3K readthrough; plus strand), TNNI3K (TNNI3 interacting kinase; plus strand). Cytogenetic location: 1p31.1.
Variant type: single nucleotide variant.
Coding change: c.1025C>G on transcript NM_015978.3 (MANE Select); coding-DNA position 1025, C replaced by G.
Protein change: p.Thr342Ser; replaces threonine 342 with serine.
Molecular consequence: missense variant.
Genome position (GRCh38, 1-based): chr1:74,353,358, C>G. VCF-style: chr1-74353358-C-G. GRCh37 (hg19) VCF-style: chr1-74819042-C-G.
Other names: c.1328C>G, p.Thr443Ser (NM_001112808.3, NM_001199327.2); short protein forms T342S, T443S.
Identifiers: ClinVar variation 3666328 (VCV003666328.2).
Genomic context (GRCh38, chr1:74,353,358, plus strand): 5'-TCAAATTTCTTCTTGATCAGAATGTCATAAACATCAACCACCAAGGAAGGGATGGGCACA[C>G]TGGTAAGACTGTGGTGAAAACACCACTAGTTCTATATGCTTATCAATGATTAAGAATAAT-3'
Protein context (NP_057062.1, residues 332-352): NINHQGRDGH[Thr342Ser]GLHSACYHGH